The following is an entry in ClinVar:

NM_000051.4(ATM):c.1254A>G (p.Gln418=)

Gene: ATM (ATM serine/threonine kinase; plus strand). Cytogenetic location: 11q22.3.
Variant type: single nucleotide variant.
Coding change: c.1254A>G on transcript NM_000051.4 (MANE Select); coding-DNA position 1254, A replaced by G.
Protein change: p.Gln418=; no amino-acid change (glutamine 418 retained).
Molecular consequence: synonymous variant.
Genome position (GRCh38, 1-based): chr11:108,250,719, A>G. VCF-style: chr11-108250719-A-G. GRCh37 (hg19) VCF-style: chr11-108121446-A-G.
Other names: NP_000042.3:p.Gln418=; c.1254A>G, p.Gln418= (NM_001351834.2).
Identifiers: ClinVar variation 132714 (VCV000132714.55), dbSNP rs4987943, ClinGen allele CA167482.
Genomic context (GRCh38, chr11:108,250,719, plus strand): 5'-TGATGGAATAGTTTTCAAATTATCCTTTTTTTTTTTTTTTAGGCTACAGATTGCAACCCA[A>G]TTAATATCAAAGTATCCTGCAAGTTTACCTAACTGTGAGCTGTCTCCATTACTGATGATA-3'
Protein context (NP_000042.3, residues 408-428): DLVPWLQIAT[Gln418=]LISKYPASLP

ClinVar aggregate classification (germline): Benign/Likely benign. Review status: criteria provided, multiple submitters, no conflicts (2 of 4 stars). 26 submissions from 26 submitters: Benign (14); Likely benign (4). 8 of the submissions do not count toward it. Last evaluated 2026-02-04.

Conditions:
Breast and/or ovarian cancer. Identifiers: MedGen CN221562.
Hereditary cancer-predisposing syndrome. Also called: Tumor predisposition; Hereditary neoplastic syndrome; Neoplastic Syndromes, Hereditary; Hereditary Cancer Syndrome. Identifiers: Orphanet 140162, MedGen C0027672, MeSH D009386, MONDO:0015356.
Hereditary breast ovarian cancer syndrome. Also called: Hereditary breast and ovarian cancer syndrome (HBOC); Hereditary breast and ovarian cancer; Hereditary breast and ovarian cancer syndrome; Breast and ovarian cancer; Hereditary breast and/or ovarian cancer syndrome; BRCA1- and BRCA2-Associated Hereditary Breast and Ovarian Cancer. Identifiers: Orphanet 145, MedGen C0677776, MeSH D061325, MONDO:0003582. Disease mechanism: loss of function.
Familial cancer of breast. Also called: Hereditary breast cancer; hereditary breast carcinoma; BREAST CANCER, FAMILIAL. Identifiers: Orphanet 227535, MedGen C0346153, MONDO:0016419, OMIM 114480. Disease mechanism: loss of function.
Ataxia-telangiectasia syndrome (AT). Also called: LOUIS-BAR SYNDROME; Ataxia-telangiectasia; Ataxia telangiectasia (A-T); Cerebello-oculocutaneous telangiectasia; Immunodeficiency with ataxia telangiectasia; Ataxia-telangiectasia, complementation group D. Identifiers: Orphanet 100, MedGen C0004135, MONDO:0008840, OMIM 208900.
Malignant tumor of breast. Also called: Malignant breast neoplasm; Cancer breast. Identifiers: MedGen C0006142, MONDO:0007254. Disease mechanism: loss of function.

Allele frequency attached by ClinVar (database versions not stated): gnomAD exomes 0.00289 and 0.00690; ExAC 0.00791; gnomAD 0.02380 and 0.02542; 1000 Genomes Project 0.02616; ESP Exome Variant Server 0.02654; TOPMed 0.02708; 1000 Genomes Project 30x 0.02842.
gnomAD v4.1: 8,055 of 1,606,724 alleles (0.5%); highest among the groups gnomAD compares: African/African-American, 8.1%; 276 homozygotes.

Submissions (26):

Labcorp Genetics (formerly Invitae), Labcorp
Classification: Benign for Ataxia-telangiectasia syndrome. Last evaluated: 2026-02-04. Review status: criteria provided, single submitter. Criteria: Invitae Variant Classification Sherloc (09022015). Collection method: clinical testing. Allele origin: germline.

Athena Diagnostics
Classification: Benign. Last evaluated: 2025-09-19. Review status: criteria provided, single submitter. Criteria: Athena Diagnostics Criteria. Collection method: clinical testing. Allele origin: unknown.
Comment: The frequency of this variant in the general population is higher than would generally be expected for pathogenic variants in this gene. Computational tools yielded predictions that this variant is unlikely to have an effect on normal RNA splicing. This nucleotide position exhibits low evolutionary conservation.

ARUP Laboratories, Molecular Genetics and Genomics, ARUP Laboratories
Classification: Benign. Last evaluated: 2025-05-23. Review status: criteria provided, single submitter. Criteria: ARUP Molecular Germline Variant Investigation Process 2024. Collection method: clinical testing. Allele origin: germline.

Center for Genomic Medicine, Rigshospitalet, Copenhagen University Hospital
Classification: Benign. Last evaluated: 2025-03-04. Review status: criteria provided, single submitter. Criteria: ACMG Guidelines, 2015. Collection method: clinical testing. Allele origin: germline.

CeGaT Center for Human Genetics Tuebingen
Classification: Benign. Last evaluated: 2025-03-01. Review status: criteria provided, single submitter. Criteria: CeGaT Center For Human Genetics Tuebingen Variant Classification Criteria Version 2. Collection method: clinical testing. Allele origin: germline. Affected: yes. Observed: 1 variant allele.
Comment: ATM: BP4, BP7, BS1, BS2

Blueprint Genetics
Classification: Likely benign. Last evaluated: 2024-11-25. Review status: criteria provided, single submitter. Criteria: ACMG Guidelines, 2015. Collection method: clinical testing. Allele origin: germline.

Myriad Genetics, Inc.
Classification: Benign for Familial cancer of breast. Last evaluated: 2024-04-26. Review status: criteria provided, single submitter. Criteria: Myriad Autosomal Dominant, Autosomal Recessive and X-Linked Classification Criteria (2023). Collection method: clinical testing. Allele origin: unknown.
Comment: This variant is considered benign. This variant is a silent/synonymous amino acid change and it is not expected to impact splicing.

KCCC/NGS Laboratory, Kuwait Cancer Control Center
Classification: Benign for Familial cancer of breast. Last evaluated: 2023-07-07. Review status: criteria provided, single submitter. Criteria: ACMG Guidelines, 2015. Collection method: clinical testing. Allele origin: germline. Affected: yes.

National Health Laboratory Service, Universitas Academic Hospital and University of the Free State
Classification: Benign for Hereditary breast ovarian cancer syndrome. Last evaluated: 2022-04-19. Review status: criteria provided, single submitter. Criteria: ACMG Guidelines, 2015. Collection method: clinical testing. Allele origin: germline. Affected: yes. Observed: 58 variant alleles.

Mayo Clinic Laboratories, Mayo Clinic
Classification: Benign. Last evaluated: 2022-03-24. Review status: criteria provided, single submitter. Criteria: ACMG Guidelines, 2015. Collection method: clinical testing. Allele origin: germline. Observed: 42 variant alleles.

CHEO Genetics Diagnostic Laboratory, Children's Hospital of Eastern Ontario
Classification: Benign for Breast and/or ovarian cancer. Last evaluated: 2021-05-17. Review status: criteria provided, single submitter. Criteria: ACMG Guidelines, 2015. Collection method: clinical testing. Allele origin: germline.

Institute for Biomarker Research, Medical Diagnostic Laboratories, L.L.C.
Classification: Likely benign for Hereditary cancer-predisposing syndrome. Last evaluated: 2017-07-12. Review status: criteria provided, single submitter. Criteria: ACMG Guidelines, 2015. Collection method: clinical testing. Allele origin: germline.

Illumina Laboratory Services, Illumina
Classification: Likely benign for Ataxia-telangiectasia syndrome. Last evaluated: 2017-04-27. Review status: criteria provided, single submitter. Criteria: ICSL Variant Classification Criteria 13 December 2019. Collection method: clinical testing. Allele origin: germline.
Comment: This variant was observed as part of a predisposition screen in an ostensibly healthy population. A literature search was performed for the gene, cDNA change, and amino acid change (where applicable). No publications were found based on this search. Allele frequency data from public databases allowed determination this variant is unlikely to cause disease. Therefore, this variant is classified as likely benign.

PreventionGenetics, part of Exact Sciences
Classification: Benign. Last evaluated: 2016-11-02. Review status: criteria provided, single submitter. Criteria: ACMG Guidelines, 2015. Collection method: clinical testing. Allele origin: germline.

Color Diagnostics, LLC DBA Color Health
Classification: Benign for Hereditary cancer-predisposing syndrome. Last evaluated: 2015-04-13. Review status: criteria provided, single submitter. Criteria: ACMG Guidelines, 2015. Collection method: clinical testing. Allele origin: germline.

GeneDx
Classification: Benign. Last evaluated: 2015-03-03. Review status: criteria provided, single submitter. Criteria: GeneDx Variant Classification Process June 2021. Collection method: clinical testing. Allele origin: germline. Affected: yes.
Comment: This variant is associated with the following publications: (PMID: 17333338)

Ambry Genetics
Classification: Benign for Hereditary cancer-predisposing syndrome. Last evaluated: 2014-11-20. Review status: criteria provided, single submitter. Criteria: Ambry Variant Classification Scheme 2023. Collection method: clinical testing. Allele origin: germline.

Breakthrough Genomics
Classification: Likely benign. Review status: criteria provided, single submitter. Criteria: ACMG Guidelines, 2015. Collection method: not provided. Allele origin: germline. Inheritance: Autosomal recessive inheritance. Affected: yes.

Natera, Inc.
Classification: Benign for Ataxia-telangiectasia. Last evaluated: 2020-09-16. Review status: no assertion criteria provided. Collection method: clinical testing. Allele origin: germline. Not counted in ClinVar's aggregate classification.

True Health Diagnostics
Classification: Likely benign for Hereditary cancer-predisposing syndrome. Last evaluated: 2018-01-03. Review status: no assertion criteria provided. Collection method: clinical testing. Allele origin: germline. Not counted in ClinVar's aggregate classification.

Clinical Genetics Laboratory, Department of Pathology, Netherlands Cancer Institute
Classification: Benign. Review status: no assertion criteria provided. Collection method: clinical testing. Allele origin: germline. Affected: yes. Study: VKGL Data-share Consensus. Not counted in ClinVar's aggregate classification.

Clinical Genetics, Academic Medical Center
Classification: Benign. Review status: no assertion criteria provided. Collection method: clinical testing. Allele origin: germline. Affected: yes. Study: VKGL Data-share Consensus. Not counted in ClinVar's aggregate classification.

Department of Pathology and Laboratory Medicine, Sinai Health System
Classification: Benign for Malignant tumor of breast. Review status: no assertion criteria provided. Collection method: clinical testing. Allele origin: unknown. Affected: yes. Study: The Canadian Open Genetics Repository (COGR). Not counted in ClinVar's aggregate classification.
Comment: The ATM, p.Gln418= variant was identified in 7 of 580 proband chromosomes (frequency: 0.01) from African-American, Caucasian, and Egyptian individuals or families with breast cancer or acute lymphoblastic leukemia and was present in 18 of 884 control chromosomes (frequency: 0.02) from healthy individuals (Rosenstein 2006, Meier 2005, Kim 2017). The variant was identified in dbSBP (ID: rs4987943) as "With other allele", ClinVar database (classified as benign by Invitae and Ambry Genetics; and likely benign by Illumina), Clinvitae (2x), and LOVD 3.0 (effect unknown) databases; and was not identified in the COSMIC, MutDB or LOVD-ATM databases. The variant was identified in control databases in 2296 of 271418 chromosomes (80 homozygous) at a frequency of 0.008 increasing the likelihood this could be a low frequency benign variant (Genome Aggregation Consortium Feb 27, 2017). The variant was identified in the following populations at a frequency greater than 1%: African in 1912 of 23758 chromosomes (freq: 0.08). The c.1254A>G variant occurs outside of the splicing consensus sequence and 1 of 5 in silico or computational prediction software programs(SpliceSiteFinder, MaxEntScan, NNSPLICE, GeneSplicer, HumanSpliceFinder) predict a greater than 10% difference in splicing; this is not very predictive of pathogenicity. The p.Gln418= variant is not expected to have clinical significance because it does not result in a change of amino acid and is not located in a known consensus splice site. In summary, based on the above information this variant meets our laboratory's criteria to be classified as benign.

Genome Diagnostics Laboratory, Amsterdam University Medical Center
Classification: Benign. Review status: no assertion criteria provided. Collection method: clinical testing. Allele origin: germline. Affected: yes. Study: VKGL Data-share Consensus. Not counted in ClinVar's aggregate classification.

Joint Genome Diagnostic Labs from Nijmegen and Maastricht, Radboudumc and MUMC+
Classification: Benign. Review status: no assertion criteria provided. Collection method: clinical testing. Allele origin: germline. Affected: yes. Study: VKGL Data-share Consensus. Not counted in ClinVar's aggregate classification.

Laboratory of Diagnostic Genome Analysis, Leiden University Medical Center (LUMC)
Classification: Benign. Review status: no assertion criteria provided. Collection method: clinical testing. Allele origin: germline. Affected: yes. Study: VKGL Data-share Consensus. Not counted in ClinVar's aggregate classification.

Literature cited by the submitters: PubMed 12673804 (cited by Athena Diagnostics); PubMed 18384426 (cited by Athena Diagnostics).